The following is an entry in ClinVar:

NM_000038.6(APC):c.426_427del (p.Leu143fs)

Gene: APC (APC regulator of Wnt signaling pathway; plus strand). Cytogenetic location: 5q22.2.
Variant type: Deletion.
Coding change: c.426_427del on transcript NM_000038.6 (MANE Select); coding-DNA positions 426 to 427, 2 bases deleted (AT; older notation c.426_427delAT).
Protein change: p.Leu143fs; shifts the reading frame from leucine 143.
Molecular consequence: frameshift variant. On other transcripts: 5 prime UTR variant (1).
Genome position (GRCh38, 1-based): chr5:112,775,632-112,775,633, AT deleted. VCF-style (leftmost placement, unchanged base first): chr5-112775631-CAT-C. GRCh37 (hg19) VCF-style: chr5-112111328-CAT-C.
Other names: c.426_427del, p.Leu143fs (NM_001127510.3, NM_001354895.2, NM_001354896.2 and 2 more transcripts); c.456_457del, p.Leu153fs (NM_001127511.3, NM_001354897.2, NM_001354902.2); c.351_352del, p.Leu118fs (NM_001354898.2, NM_001354904.2); c.249_250del, p.Leu84fs (NM_001354900.2, NM_001354901.2, NM_001354905.2); c.-610_-609del (NM_001354906.2); short protein forms L143fs, L153fs, L84fs, L118fs.
Identifiers: ClinVar variation 142574 (VCV000142574.47), dbSNP rs587782557, ClinGen allele CA009418.

ClinVar aggregate classification (germline): Pathogenic. Review status: criteria provided, multiple submitters, no conflicts (2 of 4 stars). 15 submissions from 15 submitters: Pathogenic (13). 2 of the submissions do not count toward it. Last evaluated 2025-12-16.

Conditions:
APC-related disorder. Also called: APC-related condition.
Classic or attenuated familial adenomatous polyposis. Identifiers: MedGen CN372698, MONDO:0021057.
Hereditary cancer-predisposing syndrome. Also called: Tumor predisposition; Neoplastic Syndromes, Hereditary; Hereditary neoplastic syndrome; Hereditary Cancer Syndrome. Identifiers: Orphanet 140162, MedGen C0027672, MeSH D009386, MONDO:0015356.
Familial multiple polyposis syndrome (FAP). Also called: Familial intestinal polyposis; Familial adenomatous polyposis; Familial polyposis; Classic familial adenomatous polyposis; Familial Adenomatous Polyposis (FAP). Identifiers: Orphanet 733, MedGen C0032580, MONDO:0021055. Disease mechanism: loss of function.
Familial adenomatous polyposis 1 (FAP1). Also called: FAMILIAL ADENOMATOUS POLYPOSIS 1, ATTENUATED; POLYPOSIS, ADENOMATOUS INTESTINAL. Identifiers: MedGen C2713442, MONDO:0021056, OMIM 175100. Disease mechanism: loss of function.
Carcinoma of colon (CRC). Also called: Colonic carcinoma; Colon carcinoma. Identifiers: MedGen C0699790, MONDO:0002032.

Allele frequency attached by ClinVar (database versions not stated): gnomAD exomes below 0.00001.

Submissions 1 to 10 of 15:

Labcorp Genetics (formerly Invitae), Labcorp
Classification: Pathogenic for Familial adenomatous polyposis 1. Last evaluated: 2025-12-16. Review status: criteria provided, single submitter. Criteria: Invitae Variant Classification Sherloc (09022015). Collection method: clinical testing. Allele origin: germline.
Comment: This sequence change creates a premature translational stop signal (p.Leu143Alafs*4) in the APC gene. It is expected to result in an absent or disrupted protein product. Loss-of-function variants in APC are known to be pathogenic (PMID: 17963004, 20685668). This variant is not present in population databases (gnomAD no frequency). This premature translational stop signal has been observed in individual(s) with pilomatrixomas and attenuated familial adenomatous polyposis (PMID: 8252630, 11960572, 15300576, 18063416, 22150579, 23159591). ClinVar contains an entry for this variant (Variation ID: 142574). For these reasons, this variant has been classified as Pathogenic.

Color Diagnostics, LLC DBA Color Health
Classification: Pathogenic for Hereditary cancer-predisposing syndrome. Last evaluated: 2025-09-09. Review status: criteria provided, single submitter. Criteria: ACMG Guidelines, 2015. Collection method: clinical testing. Allele origin: germline.
Comment: This variant deletes 2 nucleotides in exon 5 of the APC gene, creating a frameshift and premature translation stop signal. This variant is expected to result in an absent or non-functional protein product. This variant has been reported in individuals affected with familial adenomatous polyposis and attenuated familial adenomatous polyposis (PMID: 8252630, 8625067, 18063416, 18063416, 20434453, 22150579, 22809634, 23159591). This variant has not been identified in the general population by the Genome Aggregation Database (gnomAD). Loss of APC function is a known mechanism of disease. Based on the available evidence, this variant is classified as Pathogenic.

Ambry Genetics
Classification: Pathogenic for Hereditary cancer-predisposing syndrome. Last evaluated: 2025-06-02. Review status: criteria provided, single submitter. Criteria: Ambry Variant Classification Scheme 2023. Collection method: clinical testing. Allele origin: germline.
Comment: The c.426_427delAT pathogenic mutation, located in coding exon 4 of the APC gene, results from a deletion of two nucleotides at nucleotide positions 426 to 427, causing a translational frameshift with a predicted alternate stop codon (p.L143Afs*4). This mutation has been reported in families with attenuated familial adenomatous polyposis (AFAP) and in a family with AFAP and pilomatrixomas (Castellsagu&eacute; E et al. Gastroenterology 2010 Aug;139(2):439-47, 447.e1; Trufant J et al. J. Cutan. Pathol. 2012 Apr;39(4):440-3). This alteration has been proposed to be an American founder mutation for AFAP (Neklason et al. Clin. Gastroenterol. Hepatol. 2008 Jan;6(1):46-52). This variant is considered to be rare based on population cohorts in the Genome Aggregation Database (gnomAD). In addition to the clinical data presented in the literature, this alteration is expected to result in loss of function by premature protein truncation or nonsense-mediated mRNA decay. As such, this alteration is interpreted as a disease-causing mutation.

Clinical Genomics Laboratory, Washington University in St. Louis
Classification: Pathogenic for Familial adenomatous polyposis 1. Last evaluated: 2025-02-28. Review status: criteria provided, single submitter. Criteria: ACMG Guidelines, 2015. Collection method: clinical testing. Allele origin: germline. Affected: yes.
Comment: The APC c.426_427del (p.Leu143Alafs*4) variant has been reported in many individuals affected with familial adenomatous polyposis (FAP) or attenuated FAP and is reported to segregate with disease in several families. (Burt RW et al., PMID: 15300576; Castellsagué E et al., PMID: 20434453; Friedl W, Aretz S. PMID: 20223039; Samadder NJ et al., PMID: 22809634; Susswein LR et al., PMID: 26681312; Trufant J et al., PMID: 22150579). This variant has been reported in the ClinVar database as a germline pathogenic by 13 submitters. This variant causes a frameshift by deleting 2 nucleotides, leading to a premature termination codon, which is predicted to lead to nonsense mediated decay. Based on available information and the ClinGen InSiGHT Hereditary Colorectal Cancer/Polyposis Expert Panel Specifications, this variant is classified as pathogenic.

PreventionGenetics, part of Exact Sciences
Classification: Pathogenic for APC-related condition. Last evaluated: 2024-12-03. Review status: criteria provided, single submitter. Criteria: ACMG Guidelines, 2015. Collection method: clinical testing. Allele origin: germline.
Comment: The APC c.426_427delAT variant is predicted to result in a frameshift and premature protein termination (p.Leu143Alafs*4). This variant has previously been reported in individuals with attenuated familial adenomatous polyposis (Neklason et al. 2008. PubMed ID: 18063416; Trufant et al. 2012. PubMed ID: 22150579; Castellsagué et al. 2010. PubMed ID: 20434453). This variant has not been reported in a large population database, indicating this variant is rare. This variant is interpreted as pathogenic in ClinVar. Frameshift variants in APC are expected to be pathogenic. This variant is interpreted as pathogenic.

Quest Diagnostics Nichols Institute San Juan Capistrano
Classification: Pathogenic. Last evaluated: 2024-07-30. Review status: criteria provided, single submitter. Criteria: Quest Diagnostics criteria. Collection method: clinical testing. Allele origin: unknown.
Comment: The APC c.426_427del (p.Leu143Alafs*4) variant alters the translational reading frame of the APC mRNA and causes the premature termination of APC protein synthesis. This variant has been reported in the published literature in multiple individuals and families with Familial Adenomatous Polyposis (FAP) (PMID: 18063416 (2008), 20434453 (2010), 22809634 (2013), 31520998 (2019), 37542411 (2023), 37943618 (2023)). This variant has not been reported in large, multi-ethnic general populations (Genome Aggregation Database). Based on the available information, this variant is classified as pathogenic.

Baylor Genetics
Classification: Pathogenic for Familial adenomatous polyposis 1. Last evaluated: 2023-11-21. Review status: criteria provided, single submitter. Criteria: ACMG Guidelines, 2015. Collection method: clinical testing. Allele origin: unknown.

All of Us Research Program, National Institutes of Health
Classification: Pathogenic for Classic or attenuated familial adenomatous polyposis. Last evaluated: 2023-10-23. Review status: criteria provided, single submitter. Criteria: ACMG Guidelines, 2015. Collection method: clinical testing. Allele origin: germline. Inheritance: Autosomal dominant inheritance. Observed: 2 variant alleles, 2 heterozygotes.
Comment: This variant deletes 2 nucleotides in exon 5 of the APC gene, creating a frameshift and premature translation stop signal. This variant is expected to result in an absent or non-functional protein product. To our knowledge, functional studies have not been performed for this variant. This variant has been reported in at least nine individuals affected with FAP/AFAP (PMID: 18063416, 15300576, 20223039, 26681312, 22809634, 22150579, 20434453, 8625067). This variant has not been identified in the general population by the Genome Aggregation Database (gnomAD). Loss of APC function is a known mechanism of disease. Based on the available evidence, this variant is classified as Pathogenic.

This study involves interpretation of variants in research participants for the purpose of population health screening. Participant phenotype was not available at the time of variant classification. Additional details can be found in publication PMID: 35346344, PMCID: PMC8962531

Mayo Clinic Laboratories, Mayo Clinic
Classification: Pathogenic. Last evaluated: 2023-10-11. Review status: criteria provided, single submitter. Criteria: ACMG Guidelines, 2015. Collection method: clinical testing. Allele origin: germline.
Comment: PP1, PM2_moderate, PS4_moderate, PVS1

Myriad Genetics, Inc.
Classification: Pathogenic for Familial adenomatous polyposis 1. Last evaluated: 2023-04-25. Review status: criteria provided, single submitter. Criteria: Myriad Autosomal Dominant, Autosomal Recessive and X-Linked Classification Criteria (2023). Collection method: clinical testing. Allele origin: unknown.
Comment: This variant is considered pathogenic. This variant creates a frameshift predicted to result in premature protein truncation.